The following is an entry in ClinVar:

ClinVar aggregate classification (germline): Likely pathogenic. Review status: criteria provided, single submitter (1 of 4 stars). 2 submissions from 2 submitters: Likely pathogenic (1). 1 of the submissions does not count toward it. Last evaluated 2015-05-26.

Conditions:
Marfan syndrome (MFS). Also called: FBN1-Related Marfan Syndrome; Marfan syndrome type 1; Marfan's syndrome; Marfan syndrome, classic; MARFAN SYNDROME, TYPE I. Identifiers: Orphanet 284963, Orphanet 558, MedGen C0024796, MONDO:0007947, OMIM 154700.

Submissions (2):

Petrovsky National Research Centre of Surgery, The Federal Agency for Scientific Organizations
Classification: Likely pathogenic for Marfan syndrome. Last evaluated: 2015-05-26. Review status: criteria provided, single submitter. Criteria: ACMG Guidelines, 2015. Collection method: clinical testing. Allele origin: inherited. Inheritance: Autosomal dominant inheritance. Affected: yes. Observed: 1 heterozygote.
Comment: The c.6828T>G variant is absent from large population studies. This missense variant been evaluated with in silico method by predictors (NetGene2, SpliceSite predictors, Provean, SIFT, PolyPhen2). All programs show results that variant p.C2276W likely to have Damaging effect. In addition, FBN1 known to be more intolerant to missense variants (ExAC Z score = 5.33).

Sangiuolo Lab - Medical Genetics Laboratory, Tor Vergata University
Classification: Likely pathogenic for Marfan syndrome. Last evaluated: 2019-06-06. Review status: no assertion criteria provided. Collection method: clinical testing. Allele origin: germline. Affected: yes. Not counted in ClinVar's aggregate classification.

Literature cited by the submitters: PubMed 31730815 (cited by Sangiuolo Lab - Medical Genetics Laboratory, Tor Vergata University).

NM_000138.5(FBN1):c.6828T>G (p.Cys2276Trp)

Gene: FBN1 (fibrillin 1; minus strand). Cytogenetic location: 15q21.1.
Variant type: single nucleotide variant.
Coding change: c.6828T>G on transcript NM_000138.5 (MANE Select); coding-DNA position 6828, T replaced by G.
Protein change: p.Cys2276Trp; replaces cysteine 2276 with tryptophan.
Molecular consequence: missense variant.
Genome position (GRCh38, 1-based): chr15:48,430,714, A>C on the plus strand (T>G on the coding strand, the complement: FBN1 is on the minus strand). VCF-style: chr15-48430714-A-C. GRCh37 (hg19) VCF-style: chr15-48722911-A-C.
Other names: short protein forms C2276W.
Identifiers: ClinVar variation 638555 (VCV000638555.5), dbSNP rs1597520625, ClinGen allele CA392332186.